The following is an entry in ClinVar:

ClinVar aggregate classification (germline): Pathogenic. Review status: criteria provided, multiple submitters, no conflicts (2 of 4 stars). 4 submissions from 4 submitters: Pathogenic (4). Last evaluated 2025-05-31.

Conditions:
ERCC2-related disorder. Also called: ERCC2-related disorders; ERCC2-related conditions; ERCC2-related condition. Identifiers: MedGen CN239291.

gnomAD v4.1: 4 of 1,561,112 alleles (0.00026%); highest among the groups gnomAD compares: African/African-American, 0.0054%; no homozygotes.

Submissions (4):

Myriad Genetics, Inc.
Classification: Pathogenic for ERCC2-related disorder. Last evaluated: 2025-05-31. Review status: criteria provided, single submitter. Criteria: Myriad Autosomal Dominant, Autosomal Recessive and X-Linked Classification Criteria (2023). Collection method: clinical testing. Allele origin: unknown.
Comment: NM_000400.3(ERCC2):c.898G>T(E300*) is expected to be pathogenic in the context of ERCC2-related disorders. This variant is predicted to lead to an abnormal or absent protein product due to the creation of a premature termination codon in ERCC2, a gene where loss-of-function variants are known to be pathogenic. Please note: this variant was assessed in the context of healthy population screening.

PreventionGenetics, part of Exact Sciences
Classification: Pathogenic for ERCC2-related condition. Last evaluated: 2024-12-13. Review status: criteria provided, single submitter. Criteria: ACMG Guidelines, 2015. Collection method: clinical testing. Allele origin: germline.
Comment: The ERCC2 c.898G>T variant is predicted to result in premature protein termination (p.Glu300*). To our knowledge, this variant has not been reported in the literature in individuals with ERCC2-related conditions. This variant is reported in 0.012% of alleles in individuals of African descent in gnomAD. This variant has an interpretation of pathogenic in ClinVar. Nonsense variants in ERCC2 are expected to be pathogenic. This variant is interpreted as pathogenic.

Labcorp Genetics (formerly Invitae), Labcorp
Classification: Pathogenic. Last evaluated: 2023-03-07. Review status: criteria provided, single submitter. Criteria: Invitae Variant Classification Sherloc (09022015). Collection method: clinical testing. Allele origin: germline.
Comment: This sequence change creates a premature translational stop signal (p.Glu300*) in the ERCC2 gene. It is expected to result in an absent or disrupted protein product. Loss-of-function variants in ERCC2 are known to be pathogenic (PMID: 9238033, 11335038, 19085937, 19934020). This variant is present in population databases (no rsID available, gnomAD 0.01%). This variant has not been reported in the literature in individuals affected with ERCC2-related conditions. ClinVar contains an entry for this variant (Variation ID: 1320616). For these reasons, this variant has been classified as Pathogenic.

GeneDx
Classification: Pathogenic. Last evaluated: 2021-11-04. Review status: criteria provided, single submitter. Criteria: GeneDx Variant Classification Process June 2021. Collection method: clinical testing. Allele origin: germline. Affected: yes.
Comment: Nonsense variant predicted to result in protein truncation or nonsense mediated decay in a gene for which loss-of-function is a known mechanism of disease; Not observed at a significant frequency in large population cohorts (Lek et al., 2016); Has not been previously published as pathogenic or benign to our knowledge

Literature cited by the submitters: PubMed 9238033 (cited by Labcorp Genetics (formerly Invitae), Labcorp); PubMed 11335038 (cited by Labcorp Genetics (formerly Invitae), Labcorp); PubMed 19085937 (cited by Labcorp Genetics (formerly Invitae), Labcorp); PubMed 19934020 (cited by Labcorp Genetics (formerly Invitae), Labcorp).

NM_000400.4(ERCC2):c.898G>T (p.Glu300Ter)

Gene: ERCC2 (ERCC excision repair 2, TFIIH core complex helicase subunit; minus strand). Cytogenetic location: 19q13.32.
Variant type: single nucleotide variant.
Coding change: c.898G>T on transcript NM_000400.4 (MANE Select); coding-DNA position 898, G replaced by T.
Protein change: p.Glu300Ter; replaces glutamic acid 300 with a stop codon.
Molecular consequence: nonsense.
Genome position (GRCh38, 1-based): chr19:45,364,037, C>A on the plus strand (G>T on the coding strand, the complement: ERCC2 is on the minus strand). VCF-style: chr19-45364037-C-A. GRCh37 (hg19) VCF-style: chr19-45867295-C-A.
Other names: c.826G>T, p.Glu276Ter (NM_001130867.2); short protein forms E276*, E300*.
Identifiers: ClinVar variation 1320616 (VCV001320616.7), dbSNP rs774977350, ClinGen allele CA406373498.